The following is an entry in ClinVar:

ClinVar aggregate classification (germline): Uncertain significance (1 of 4 stars; one submission).

Conditions:
Holoprosencephaly 3 (HPE3). Identifiers: Orphanet 2162, MedGen C1840529, MONDO:0007733, OMIM 142945.

Submission:

Labcorp Genetics (formerly Invitae), Labcorp
Classification: Uncertain significance for Holoprosencephaly 3. Last evaluated: 2023-09-25. Review status: criteria provided, single submitter. Criteria: Invitae Variant Classification Sherloc (09022015). Collection method: clinical testing. Allele origin: germline.
Comment: In summary, the available evidence is currently insufficient to determine the role of this variant in disease. Therefore, it has been classified as a Variant of Uncertain Significance. Experimental studies and prediction algorithms are not available or were not evaluated, and the effect of this variant on mRNA splicing is currently unknown. This variant has not been reported in the literature in individuals affected with SHH-related conditions. This variant is not present in population databases (gnomAD no frequency). This variant occurs in a non-coding region of the SHH gene. It does not change the encoded amino acid sequence of the SHH protein.

NC_000007.14:g.156769027_156769034del

Genes: LMBR1 (limb development membrane protein 1; minus strand), SHH (sonic hedgehog signaling molecule; minus strand). Cytogenetic location: 7q36.3.
Variant type: Deletion.
Molecular consequence: intron variant (on NM_022458.4).
Genome position: GRCh38 VCF-style: chr7-156769025-CTGTTTATA-C. GRCh37 (hg19) VCF-style: chr7-156561719-CTGTTTATA-C.
Other names: c.361-5238_361-5231del (NM_001363412.2); c.145-5238_145-5231del (NM_001350954.2); c.424-5238_424-5231del (NM_001363410.2, NM_022458.4, NM_001363409.2 and 1 more transcripts); c.-33-5238_-33-5231del (NM_001350958.2, NM_001350956.2, NM_001350955.2 and 1 more transcripts); c.55-5238_55-5231del (NM_001350957.2, NM_001363411.2).
Identifiers: ClinVar variation 2870959 (VCV002870959.3), dbSNP rs1009202540, ClinGen allele CA169820927.